The following is an entry in ClinVar:

NM_001374353.1(GLI2):c.1472A>C (p.Glu491Ala)

Gene: GLI2 (GLI family zinc finger 2; plus strand). Cytogenetic location: 2q14.2.
Variant type: single nucleotide variant.
Coding change: c.1472A>C on transcript NM_001374353.1 (MANE Select); coding-DNA position 1472, A replaced by C.
Protein change: p.Glu491Ala; replaces glutamic acid 491 with alanine.
Molecular consequence: missense variant.
Genome position (GRCh38, 1-based): chr2:120,982,720, A>C. VCF-style: chr2-120982720-A-C. GRCh37 (hg19) VCF-style: chr2-121740296-A-C.
Other names: c.1523A>C, p.Glu508Ala (NM_001371271.1, NM_005270.5); c.1097A>C, p.Glu366Ala (NM_001374354.1); short protein forms E366A, E491A, E508A.
Identifiers: ClinVar variation 2187527 (VCV002187527.5), dbSNP rs1682771940, ClinGen allele CA348161871.
Genomic context (GRCh38, chr2:120,982,720, plus strand): 5'-GGCCTCAAGGTTGGGCCCCCTGGGGTGCCTTGACTGACTGAACCGCCTCCTTCTAGTTCG[A>C]GGGCTGCTCGAAGGCCTACTCCCGCCTGGAGAACCTGAAGACACACCTGCGGTCCCACAC-3'
Protein context (NP_001361282.1, residues 481-501): TGEKPHKCTF[Glu491Ala]GCSKAYSRLE

ClinVar aggregate classification (germline): Uncertain significance. Review status: criteria provided, multiple submitters, no conflicts (2 of 4 stars). 2 submissions from 2 submitters: Uncertain significance (2). Last evaluated 2024-12-19.

Conditions:
Postaxial polydactyly-anterior pituitary anomalies-facial dysmorphism syndrome. Also called: Culler-Jones syndrome. Identifiers: Orphanet 420584, MedGen C4014479, MONDO:0014369, OMIM 615849.
Holoprosencephaly 9 (HPE9). Also called: PITUITARY ANOMALIES WITH HOLOPROSENCEPHALY-LIKE FEATURES; HOLOPROSENCEPHALY WITH MICROPHTHALMIA AND FIRST BRANCHIAL ARCH ANOMALIES. Identifiers: Orphanet 2162, MedGen C1835819, MONDO:0012563, OMIM 610829.

Allele frequency attached by ClinVar (database versions not stated): gnomAD exomes below 0.00001; TOPMed 0.00001.
gnomAD v4.1: 1 of 1,612,372 alleles (0.000062%); highest among the groups gnomAD compares: Middle Eastern, 0.017%; no homozygotes.

Submissions (2):

Genomic Medicine Center of Excellence, King Faisal Specialist Hospital and Research Centre
Classification: Uncertain significance for Postaxial polydactyly-anterior pituitary anomalies-facial dysmorphism syndrome. Last evaluated: 2024-12-19. Review status: criteria provided, single submitter. Criteria: ACMG Guidelines, 2015. Collection method: clinical testing. Allele origin: germline.

Labcorp Genetics (formerly Invitae), Labcorp
Classification: Uncertain significance for Postaxial polydactyly-anterior pituitary anomalies-facial dysmorphism syndrome; Holoprosencephaly 9. Last evaluated: 2022-08-19. Review status: criteria provided, single submitter. Criteria: Invitae Variant Classification Sherloc (09022015). Collection method: clinical testing. Allele origin: germline.
Comment: In summary, the available evidence is currently insufficient to determine the role of this variant in disease. Therefore, it has been classified as a Variant of Uncertain Significance. Algorithms developed to predict the effect of missense changes on protein structure and function are either unavailable or do not agree on the potential impact of this missense change (SIFT: "Deleterious"; PolyPhen-2: "Probably Damaging"; Align-GVGD: "Class C0"). This variant has not been reported in the literature in individuals affected with GLI2-related conditions. This variant is not present in population databases (gnomAD no frequency). This sequence change replaces glutamic acid, which is acidic and polar, with alanine, which is neutral and non-polar, at codon 508 of the GLI2 protein (p.Glu508Ala).